The following is an entry in ClinVar:

NM_000053.4(ATP7B):c.3490G>A (p.Asp1164Asn)

Gene: ATP7B (ATPase copper transporting beta; minus strand). Cytogenetic location: 13q14.3.
Variant type: single nucleotide variant.
Coding change: c.3490G>A on transcript NM_000053.4 (MANE Select); coding-DNA position 3490, G replaced by A.
Protein change: p.Asp1164Asn; replaces aspartic acid 1164 with asparagine.
Molecular consequence: missense variant. On other transcripts: intron variant (2).
Genome position (GRCh38, 1-based): chr13:51,941,147, C>T on the plus strand (G>A on the coding strand, the complement: ATP7B is on the minus strand). VCF-style: chr13-51941147-C-T. GRCh37 (hg19) VCF-style: chr13-52515283-C-T.
Other names: c.2869G>A, p.Asp957Asn (NM_001005918.3); c.3157G>A, p.Asp1053Asn (NM_001243182.2); c.3256G>A, p.Asp1086Asn (NM_001330578.2, NM_001406527.1, NM_001406528.1); c.3238G>A, p.Asp1080Asn (NM_001330579.2, NM_001406531.1, NM_001406532.1); c.3490G>A, p.Asp1164Asn (NM_001406511.1, NM_001406512.1, NM_001406526.1); c.3484G>A, p.Asp1162Asn (NM_001406513.1); c.3457G>A, p.Asp1153Asn (NM_001406514.1); c.3436G>A, p.Asp1146Asn (NM_001406515.1, NM_001406516.1); and 20 more; short protein forms D957N, D970N, D1002N, D1015N, D1021N, D1051N, D1053N, D1054N.
Identifiers: ClinVar variation 3075590 (VCV003075590.3), dbSNP rs867107727, ClinGen allele CA250077239.

ClinVar aggregate classification (germline): Uncertain significance. Review status: criteria provided, multiple submitters, no conflicts (2 of 4 stars). 3 submissions from 3 submitters: Uncertain significance (3). Last evaluated 2024-06-16.

Conditions:
Wilson disease (WND). Also called: Wilson's disease. Identifiers: Orphanet 905, MedGen C0019202, MONDO:0010200, OMIM 277900. Disease mechanism: loss of function.

Allele frequency attached by ClinVar (database versions not stated): gnomAD 0.00001; TOPMed 0.00001.
gnomAD v4.1: 31 of 1,614,012 alleles (0.0019%); highest among the groups gnomAD compares: Non-Finnish European, 0.0024%; no homozygotes.

Submissions (3):

Fulgent Genetics
Classification: Uncertain significance for Wilson disease. Last evaluated: 2024-06-16. Review status: criteria provided, single submitter. Criteria: ACMG Guidelines, 2015. Collection method: clinical testing. Allele origin: germline.

All of Us Research Program, National Institutes of Health
Classification: Uncertain significance for Wilson disease. Last evaluated: 2023-10-02. Review status: criteria provided, single submitter. Criteria: ACMG Guidelines, 2015. Collection method: clinical testing. Allele origin: germline. Inheritance: Autosomal recessive inheritance. Observed: 2 variant alleles, 2 heterozygotes.
Comment: This missense variant replaces aspartic acid with asparagine at codon 1164 of the ATP7B protein. Computational prediction is inconclusive regarding the impact of this variant on protein structure and function (internally defined REVEL score threshold 0.5 < inconclusive < 0.7, PMID: 27666373). To our knowledge, functional studies have not been reported for this variant. This variant has not been reported in individuals affected with Wilson disease in the literature. This variant has been identified in 3/249588 chromosomes in the general population by the Genome Aggregation Database (gnomAD). The available evidence is insufficient to determine the role of this variant in disease conclusively. Therefore, this variant is classified as a Variant of Uncertain Significance.

This study involves interpretation of variants in research participants for the purpose of population health screening. Participant phenotype was not available at the time of variant classification. Additional details can be found in publication PMID: 35346344, PMCID: PMC8962531

Color Diagnostics, LLC DBA Color Health
Classification: Uncertain significance for Wilson disease. Last evaluated: 2022-09-15. Review status: criteria provided, single submitter. Criteria: ACMG Guidelines, 2015. Collection method: clinical testing. Allele origin: germline.
Comment: This missense variant replaces aspartic acid with asparagine at codon 1164 of the ATP7B protein. Computational prediction is inconclusive regarding the impact of this variant on protein structure and function. To our knowledge, functional studies have not been reported for this variant. This variant has not been reported in individuals affected with Wilson disease in the literature. This variant has been identified in 3/249588 chromosomes in the general population by the Genome Aggregation Database (gnomAD). The available evidence is insufficient to determine the role of this variant in disease conclusively. Therefore, this variant is classified as a Variant of Uncertain Significance.